The following is an entry in ClinVar:

NM_006648.4(WNK2):c.2834C>G (p.Pro945Arg)

Gene: WNK2 (WNK lysine deficient protein kinase 2; plus strand). Cytogenetic location: 9q22.31.
Variant type: single nucleotide variant.
Coding change: c.2834C>G on transcript NM_006648.4 (MANE Select); coding-DNA position 2834, C replaced by G.
Protein change: p.Pro945Arg; replaces proline 945 with arginine.
Molecular consequence: missense variant.
Genome position (GRCh38, 1-based): chr9:93,259,382, C>G. VCF-style: chr9-93259382-C-G. GRCh37 (hg19) VCF-style: chr9-96021664-C-G.
Other names: c.2834C>G, p.Pro945Arg (NM_001282394.3); short protein forms P945R.
Identifiers: ClinVar variation 3470270 (VCV003470270.1).

ClinVar aggregate classification (germline): Uncertain significance (1 of 4 stars; one submission).

gnomAD v4.1: 5 of 1,610,380 alleles (0.00031%); highest among the groups gnomAD compares: Non-Finnish European, 0.00042%; no homozygotes.

Submission:

Ambry Genetics
Classification: Uncertain significance. Last evaluated: 2024-11-21. Review status: criteria provided, single submitter. Criteria: Ambry Variant Classification Scheme 2023. Collection method: clinical testing. Allele origin: germline.
Comment: The p.P945R variant (also known as c.2834C>G), located in coding exon 11 of the WNK2 gene, results from a C to G substitution at nucleotide position 2834. The proline at codon 945 is replaced by arginine, an amino acid with dissimilar properties. This amino acid position is conserved. In addition, this alteration is predicted to be tolerated by in silico analysis. Based on the available evidence, the clinical significance of this variant remains unclear.